The following is an entry in ClinVar:

ClinVar aggregate classification (germline): Likely pathogenic. Review status: criteria provided, multiple submitters, no conflicts (2 of 4 stars). 3 submissions from 3 submitters: Likely pathogenic (2). 1 of the submissions does not count toward it. Last evaluated 2025-11-15.

Conditions:
Dominant dystrophic epidermolysis bullosa with absence of skin. Also called: EPIDERMOLYSIS BULLOSA WITH CONGENITAL LOCALIZED ABSENCE OF SKIN AND DEFORMITY OF NAILS; EPIDERMOLYSIS BULLOSA DYSTROPHICA, BART TYPE. Identifiers: MedGen C0268371, MONDO:0007557, OMIM 132000.
Nonsyndromic congenital nail disorder 8. Also called: TOENAIL DYSTROPHY, ISOLATED. Identifiers: MedGen C1843761, MONDO:0011852, OMIM 607523.
Generalized dominant dystrophic epidermolysis bullosa (DDEB). Also called: DDEB, generalized; DDEB-gen; DYSTROPHIC EPIDERMOLYSIS BULLOSA, AUTOSOMAL DOMINANT; Epidermolysis bullosa dystrophica, autosomal dominant; Dominant DEB (DDEB). Identifiers: Orphanet 231568, MedGen C0432322, MONDO:0007549, OMIM 131750.
Recessive dystrophic epidermolysis bullosa (RDEB). Also called: severe generalized recessive dystrophic epidermolysis bullosa; EPIDERMOLYSIS BULLOSA DYSTROPHICA, GENERALIZED SEVERE, AUTOSOMAL RECESSIVE; DYSTROPHIC EPIDERMOLYSIS BULLOSA, AUTOSOMAL RECESSIVE; EPIDERMOLYSIS BULLOSA DYSTROPHICA, HALLOPEAU-SIEMENS TYPE; epidermolysis bullosa dystrophica, autosomal recessive; Epidermolysis Bullosa Distrophica Autosomal Recessive (RDEB). Identifiers: Orphanet 79408, Orphanet 79409, MedGen C0079474, MONDO:0009179, OMIM 226600.
Epidermolysis bullosa pruriginosa. Also called: DEB, PRURIGINOSA; DYSTROPHIC EPIDERMOLYSIS BULLOSA PRURIGINOSA. Identifiers: Orphanet 89843, MedGen C1275114, MONDO:0011398, OMIM 604129.
Pretibial dystrophic epidermolysis bullosa. Also called: EPIDERMOLYSIS BULLOSA DYSTROPHICA, PRETIBIAL; Pretibial blistering; Pretibial epidermolysis bullosa. Identifiers: Orphanet 79410, MedGen C0432321, MONDO:0007552, OMIM 131850, HP:0012221.
Transient bullous dermolysis of the newborn (TBDN). Also called: DYSTROPHIC EPIDERMOLYSIS BULLOSA, NEONATAL; EPIDERMOLYSIS BULLOSA DYSTROPHICA, NEONATAL FORM. Identifiers: Orphanet 79411, MedGen C1851573, MONDO:0007548, OMIM 131705.
COL7A1-related disorder. Also called: COL7A1- related disorders; COL7A1-related condition.

Allele frequency attached by ClinVar (database versions not stated): gnomAD 0.00003 and 0.00004; TOPMed 0.00003; ExAC 0.00005; gnomAD exomes 0.00005 and 0.00007; ESP Exome Variant Server 0.00008.

Submissions (3):

Labcorp Genetics (formerly Invitae), Labcorp
Classification: Likely pathogenic. Last evaluated: 2025-11-15. Review status: criteria provided, single submitter. Criteria: Invitae Variant Classification Sherloc (09022015). Collection method: clinical testing. Allele origin: germline.
Comment: This sequence change affects codon 1699 of the COL7A1 mRNA. It is a 'silent' change, meaning that it does not change the encoded amino acid sequence of the COL7A1 protein. This variant also falls at the last nucleotide of exon 55, which is part of the consensus splice site for this exon. This variant is present in population databases (rs369034739, gnomAD 0.009%). This variant has been observed in individual(s) with autosomal recessive dystrophic epidermolysis bullosa (PMID: 10504458, 16500083). In at least one individual the data is consistent with being in trans (on the opposite chromosome) from a pathogenic variant. ClinVar contains an entry for this variant (Variation ID: 631925). Variants that disrupt the consensus splice site are a relatively common cause of aberrant splicing (PMID: 17576681, 9536098). Algorithms developed to predict the effect of sequence changes on RNA splicing suggest that this variant may disrupt the consensus splice site. In summary, the currently available evidence indicates that the variant is pathogenic, but additional data are needed to prove that conclusively. Therefore, this variant has been classified as Likely Pathogenic.

Fulgent Genetics
Classification: Likely pathogenic for Transient bullous dermolysis of the newborn; Generalized dominant dystrophic epidermolysis bullosa; Pretibial dystrophic epidermolysis bullosa; Dominant dystrophic epidermolysis bullosa with absence of skin; Recessive dystrophic epidermolysis bullosa; Epidermolysis bullosa pruriginosa; Nonsyndromic congenital nail disorder 8. Last evaluated: 2024-04-15. Review status: criteria provided, single submitter. Criteria: ACMG Guidelines, 2015. Collection method: clinical testing. Allele origin: germline.

PreventionGenetics, part of Exact Sciences
Classification: Uncertain significance for COL7A1-related condition. Last evaluated: 2024-07-19. Review status: no assertion criteria provided. Collection method: clinical testing. Allele origin: germline. Not counted in ClinVar's aggregate classification.
Comment: The COL7A1 c.5097G>A is a noncoding alteration. This variant was reported in the presumed compound heterozygous state in an individual with dystrophic epidermolysis bullosa (DEB) (Whittock et al. 1999. PubMed ID: 10504458). This variant is reported in 0.0086% of alleles in individuals of Latino descent in gnomAD. At this time, the clinical significance of this variant is uncertain due to the absence of conclusive functional and genetic evidence.

Literature cited by the submitters: PubMed 10504458 (cited by Labcorp Genetics (formerly Invitae), Labcorp); PubMed 16500083 (cited by Labcorp Genetics (formerly Invitae), Labcorp); PubMed 17576681 (cited by Labcorp Genetics (formerly Invitae), Labcorp); PubMed 9536098 (cited by Labcorp Genetics (formerly Invitae), Labcorp).

NM_000094.4(COL7A1):c.5097G>A (p.Pro1699=)

Gene: COL7A1 (collagen type VII alpha 1 chain; minus strand). Cytogenetic location: 3p21.31.
Variant type: single nucleotide variant.
Coding change: c.5097G>A on transcript NM_000094.4 (MANE Select); coding-DNA position 5097, G replaced by A.
Protein change: p.Pro1699=; no amino-acid change (proline 1699 retained).
Molecular consequence: synonymous variant.
Genome position (GRCh38, 1-based): chr3:48,580,300, C>T on the plus strand (G>A on the coding strand, the complement: COL7A1 is on the minus strand). VCF-style: chr3-48580300-C-T. GRCh37 (hg19) VCF-style: chr3-48617733-C-T.
Identifiers: ClinVar variation 631925 (VCV000631925.10), dbSNP rs369034739, ClinGen allele CA2379681.